The following is an entry in ClinVar:

NM_024721.5(ZFHX4):c.8174A>G (p.Gln2725Arg)

Gene: ZFHX4 (zinc finger homeobox 4; plus strand). Cytogenetic location: 8q21.13.
Variant type: single nucleotide variant.
Coding change: c.8174A>G on transcript NM_024721.5 (MANE Select); coding-DNA position 8174, A replaced by G.
Protein change: p.Gln2725Arg; replaces glutamine 2725 with arginine.
Molecular consequence: missense variant.
Genome position (GRCh38, 1-based): chr8:76,855,095, A>G. VCF-style: chr8-76855095-A-G. GRCh37 (hg19) VCF-style: chr8-77767331-A-G.
Other names: c.8096A>G, p.Gln2699Arg (NM_001410934.1); short protein forms Q2699R, Q2725R.
Identifiers: ClinVar variation 5018312 (VCV005018312.1).

ClinVar aggregate classification (germline): Uncertain significance (1 of 4 stars; one submission).

Submission:

GeneDx
Classification: Uncertain significance. Last evaluated: 2026-04-11. Review status: criteria provided, single submitter. Criteria: GeneDx Variant Classification Process June 2021. Collection method: clinical testing. Allele origin: germline.
Comment: Not observed at significant frequency in large population cohorts (gnomAD); In silico analysis suggests that this missense variant does not alter protein structure/function; Has not been previously published as pathogenic or benign to our knowledge